The following is an entry in ClinVar:

NM_007294.4(BRCA1):c.4331_4338del (p.Asn1444fs)

Gene: BRCA1 (BRCA1 DNA repair associated; minus strand). Cytogenetic location: 17q21.31.
Variant type: Deletion.
Coding change: c.4331_4338del on transcript NM_007294.4 (MANE Select); coding-DNA positions 4331 to 4338, 8 bases deleted (ATCCAGAA; older notation c.4331_4338delATCCAGAA).
Protein change: p.Asn1444fs; shifts the reading frame from asparagine 1444.
Molecular consequence: frameshift variant. On other transcripts: non-coding transcript variant (1).
Genome position (GRCh38, 1-based): chr17:43,082,423-43,082,430, TTCTGGAT deleted on the plus strand (ATCCAGAA on the coding strand, the reverse complement: BRCA1 is on the minus strand); deleting any 8 consecutive bases within chr17:43,082,423-43,082,433 gives the same sequence; the c. name uses the placement nearest the transcript's 3' end. VCF-style (leftmost placement, unchanged base first): chr17-43082422-GTTCTGGAT-G. GRCh37 (hg19) VCF-style: chr17-41234439-GTTCTGGAT-G.
Other names: 4450del8; c.4331_4338delATCCAGAA (NM_007294.3); c.4115_4122delGAAATCCA, p.Asn1373Thrfs (NM_001407571.1, NM_001407853.1, NM_001407894.1 and 12 more transcripts); c.4328_4335delGAAATCCA, p.Asn1444Thrfs (NM_001407581.1, NM_001407582.1, NM_001407583.1 and 22 more transcripts); c.4325_4332delGAAATCCA, p.Asn1443Thrfs (NM_001407587.1, NM_001407590.1, NM_001407591.1 and 21 more transcripts); c.4322_4329delGAAATCCA, p.Asn1442Thrfs (NM_001407627.1, NM_001407628.1, NM_001407629.1 and 5 more transcripts); c.4316_4323delGAAATCCA, p.Asn1440Thrfs (NM_001407646.1, NM_001407647.1); c.4205_4212delGAAATCCA, p.Asn1403Thrfs (NM_001407648.1, NM_001407664.1, NM_001407665.1 and 13 more transcripts); and 56 more; short protein forms N341fs, N1444fs, N1397fs.
Identifiers: ClinVar variation 55171 (VCV000055171.3), dbSNP rs80357825, ClinGen allele CA002773.

ClinVar aggregate classification (germline): Pathogenic. Review status: reviewed by expert panel (3 of 4 stars). 2 submissions from 2 submitters: Pathogenic (1). 1 of the submissions does not count toward it. Last evaluated 2016-09-08.

Conditions:
Breast-ovarian cancer, familial, susceptibility to, 1 (BROVCA1). Also called: BRCA1 Hereditary Breast and Ovarian Cancer; OVARIAN CANCER, SUSCEPTIBILITY TO. Identifiers: Orphanet 145, MedGen C2676676, MONDO:0011450, OMIM 604370. Disease mechanism: loss of function.

Submissions (2):

Evidence-based Network for the Interpretation of Germline Mutant Alleles (ENIGMA)
Classification: Pathogenic for Breast-ovarian cancer, familial, susceptibility to, 1. Last evaluated: 2016-09-08. Review status: reviewed by expert panel. Criteria: ENIGMA BRCA1/2 Classification Criteria (2015). Collection method: curation. Allele origin: germline.
Comment: Variant allele predicted to encode a truncated non-functional protein.

Breast Cancer Information Core (BIC) (BRCA1)
Classification: Pathogenic for Breast-ovarian cancer, familial 1. Last evaluated: 2002-05-29. Review status: no assertion criteria provided. Collection method: clinical testing. Allele origin: germline. Affected: yes. Observed: 1 variant allele. Not counted in ClinVar's aggregate classification.